The following is an entry in ClinVar:

NM_001903.5(CTNNA1):c.795C>T (p.Asp265=)

Gene: CTNNA1 (catenin alpha 1; plus strand). Cytogenetic location: 5q31.2.
Variant type: single nucleotide variant.
Coding change: c.795C>T on transcript NM_001903.5 (MANE Select); coding-DNA position 795, C replaced by T.
Protein change: p.Asp265=; no amino-acid change (aspartic acid 265 retained).
Molecular consequence: synonymous variant.
Genome position (GRCh38, 1-based): chr5:138,824,736, C>T. VCF-style: chr5-138824736-C-T. GRCh37 (hg19) VCF-style: chr5-138160425-C-T.
Other names: c.795C>T, p.Asp265= (NM_001290307.3, NM_001323982.2, NM_001323983.1 and 3 more transcripts); c.486C>T, p.Asp162= (NM_001290309.3); c.426C>T, p.Asp142= (NM_001290310.3); c.795C>T (NM_001903.4).
Identifiers: ClinVar variation 699526 (VCV000699526.18), dbSNP rs148239804, ClinGen allele CA3431558.

ClinVar aggregate classification (germline): Benign/Likely benign. Review status: criteria provided, multiple submitters, no conflicts (2 of 4 stars). 6 submissions from 6 submitters: Benign (1); Likely benign (4). 1 of the submissions does not count toward it. Last evaluated 2025-12-29.

Conditions:
CTNNA1-related disorder. Also called: CTNNA1-related condition.
Hereditary cancer-predisposing syndrome. Also called: Neoplastic Syndromes, Hereditary; Hereditary neoplastic syndrome; Hereditary Cancer Syndrome; Tumor predisposition. Identifiers: Orphanet 140162, MedGen C0027672, MeSH D009386, MONDO:0015356.
Hereditary diffuse gastric adenocarcinoma (HDGC). Also called: DIFFUSE GASTRIC AND LOBULAR BREAST CANCER SYNDROME. Identifiers: Orphanet 26106, MedGen C1708349, MONDO:0007648, OMIM 137215.

Allele frequency attached by ClinVar (database versions not stated): TOPMed 0.00001.
gnomAD v4.1: 17 of 1,614,062 alleles (0.0011%); highest among the groups gnomAD compares: East Asian, 0.0022%; no homozygotes.

Submissions (6):

Center for Genomic Medicine, Rigshospitalet, Copenhagen University Hospital
Classification: Likely benign. Last evaluated: 2025-12-29. Review status: criteria provided, single submitter. Criteria: ACMG Guidelines, 2015. Collection method: clinical testing. Allele origin: germline.

Labcorp Genetics (formerly Invitae), Labcorp
Classification: Likely benign. Last evaluated: 2025-10-09. Review status: criteria provided, single submitter. Criteria: Invitae Variant Classification Sherloc (09022015). Collection method: clinical testing. Allele origin: germline.

Myriad Genetics, Inc.
Classification: Benign for Hereditary diffuse gastric adenocarcinoma. Last evaluated: 2024-10-10. Review status: criteria provided, single submitter. Criteria: Myriad Autosomal Dominant, Autosomal Recessive and X-Linked Classification Criteria (2023). Collection method: clinical testing. Allele origin: unknown.
Comment: This variant is considered benign. This variant is a silent/synonymous amino acid change and it is not expected to impact splicing.

Blueprint Genetics
Classification: Likely benign. Last evaluated: 2020-09-02. Review status: criteria provided, single submitter. Criteria: ACMG Guidelines, 2015. Collection method: clinical testing. Allele origin: germline.

Ambry Genetics
Classification: Likely benign for Hereditary cancer-predisposing syndrome. Last evaluated: 2020-06-10. Review status: criteria provided, single submitter. Criteria: Ambry Variant Classification Scheme 2023. Collection method: clinical testing. Allele origin: germline.

PreventionGenetics, part of Exact Sciences
Classification: Likely benign for CTNNA1-related condition. Last evaluated: 2023-10-11. Review status: no assertion criteria provided. Collection method: clinical testing. Allele origin: germline. Not counted in ClinVar's aggregate classification.
Comment: This variant is classified as likely benign based on ACMG/AMP sequence variant interpretation guidelines (Richards et al. 2015 PMID: 25741868, with internal and published modifications).